The following is an entry in ClinVar:

NM_024426.6(WT1):c.1173T>A (p.Ser391Arg)

Gene: WT1 (WT1 transcription factor; minus strand). Cytogenetic location: 11p13.
Variant type: single nucleotide variant.
Coding change: c.1173T>A on transcript NM_024426.6 (MANE Select); coding-DNA position 1173, T replaced by A.
Protein change: p.Ser391Arg; replaces serine 391 with arginine.
Molecular consequence: missense variant. On other transcripts: 5 prime UTR variant (1), non-coding transcript variant (2).
Genome position (GRCh38, 1-based): chr11:32,396,348, A>T on the plus strand (T>A on the coding strand, the complement: WT1 is on the minus strand). VCF-style: chr11-32396348-A-T. GRCh37 (hg19) VCF-style: chr11-32417894-A-T.
Other names: c.1122T>A, p.Ser374Arg (NM_000378.6, NM_001407045.1, NM_001407048.1 and 1 more transcripts); c.522T>A, p.Ser174Arg (NM_001198551.2); c.471T>A, p.Ser157Arg (NM_001198552.2); c.-16T>A (NM_001367854.1); c.1167T>A, p.Ser389Arg (NM_001407044.1); c.1173T>A, p.Ser391Arg (NM_001407046.1, NM_024424.5); c.1050T>A, p.Ser350Arg (NM_001407047.1); c.999T>A, p.Ser333Arg (NM_001407050.1); and 2 more; short protein forms S333R, S174R, S389R, S391R, S137R, S374R, S157R, S350R.
Identifiers: ClinVar variation 2951175 (VCV002951175.3), dbSNP rs2132940815, ClinGen allele CA379959974.

ClinVar aggregate classification (germline): Uncertain significance (1 of 4 stars; one submission).

Conditions:
Frasier syndrome. Identifiers: Orphanet 347, MedGen C0950122, MeSH D052159, MONDO:0007635, OMIM 136680.
Drash syndrome (DDS). Also called: NEPHROPATHY, WILMS TUMOR, AND GENITAL ANOMALIES; WILMS TUMOR AND PSEUDO- OR TRUE HERMAPHRODITISM. Identifiers: Orphanet 220, MedGen C0950121, MONDO:0008682, OMIM 194080.
Wilms tumor 1 (WT1). Also called: Wilms tumor, somatic. Identifiers: Orphanet 654, MedGen CN033288, MONDO:0008679, OMIM 194070.
11p partial monosomy syndrome (WAGR). Also called: CHROMOSOME 11p13 DELETION SYNDROME; WAGR syndrome; WAGR Complex; WAGR Spectrum Disorder. Identifiers: Orphanet 893, MedGen C0206115, MONDO:0008681, OMIM 194072.

Submission:

Labcorp Genetics (formerly Invitae), Labcorp
Classification: Uncertain significance for Wilms tumor 1; Drash syndrome; 11p partial monosomy syndrome; Frasier syndrome. Last evaluated: 2023-08-22. Review status: criteria provided, single submitter. Criteria: Invitae Variant Classification Sherloc (09022015). Collection method: clinical testing. Allele origin: germline.
Comment: This variant has not been reported in the literature in individuals affected with WT1-related conditions. This variant is not present in population databases (gnomAD no frequency). This sequence change replaces serine, which is neutral and polar, with arginine, which is basic and polar, at codon 386 of the WT1 protein (p.Ser386Arg). In summary, the available evidence is currently insufficient to determine the role of this variant in disease. Therefore, it has been classified as a Variant of Uncertain Significance. An algorithm developed to predict the effect of missense changes on protein structure and function (PolyPhen-2) suggests that this variant is likely to be disruptive.